The following is an entry in ClinVar:

ClinVar aggregate classification (germline): Pathogenic (1 of 4 stars; one submission).

Conditions:
Intellectual developmental disorder with dysmorphic facies and behavioral abnormalities. Identifiers: MedGen C4748135, MONDO:0060760, OMIM 618089.

Submission:

Genetics Laboratory, UDIAT-Centre Diagnòstic, Hospital Universitari Parc Tauli
Classification: Pathogenic for Intellectual developmental disorder with dysmorphic facies and behavioral abnormalities. Last evaluated: 2022-10-04. Review status: criteria provided, single submitter. Criteria: Parc Tauli Hospital Assertion Criteria 2021. Collection method: clinical testing. Allele origin: unknown. Inheritance: Autosomal dominant inheritance. Affected: yes.
Comment: PVS1;PM2_supporting

NM_001190274.2(FBXO11):c.2732_2738del (p.Thr911fs)

Genes: FBXO11 (F-box protein 11; minus strand), MSH6 (mutS homolog 6; plus strand). Cytogenetic location: 2p16.3.
Variant type: Deletion.
Coding change: c.2732_2738del on transcript NM_001190274.2 (MANE Select); coding-DNA positions 2732 to 2738, 7 bases deleted (CACTATA; older notation c.2732_2738delCACTATA).
Protein change: p.Thr911fs; shifts the reading frame from threonine 911.
Molecular consequence: frameshift variant.
Genome position (GRCh38, 1-based): chr2:47,808,164-47,808,170, TATAGTG deleted on the plus strand (CACTATA on the coding strand, the reverse complement: FBXO11 is on the minus strand); deleting any 7 consecutive bases within chr2:47,808,164-47,808,173 gives the same sequence; the c. name uses the placement nearest the transcript's 3' end. VCF-style (leftmost placement, unchanged base first): chr2-47808163-ATATAGTG-A. GRCh37 (hg19) VCF-style: chr2-48035302-ATATAGTG-A.
Other names: c.2480_2486del, p.Thr827fs (NM_001374325.1, NM_025133.4); short protein forms T827fs, T911fs.
Identifiers: ClinVar variation 1708215 (VCV001708215.2), dbSNP rs2530936412, ClinGen allele CA2580066818.